The following is an entry in ClinVar:

NM_015443.4(KANSL1):c.919del (p.Val307fs)

Gene: KANSL1 (KAT8 regulatory NSL complex subunit 1). Cytogenetic location: 17q21.31.
Variant type: Deletion.
Coding change: c.919del on transcript NM_015443.4 (MANE Select); coding-DNA position 919, one base deleted.
Protein change: p.Val307fs; shifts the reading frame from valine 307.
Molecular consequence: frameshift variant. On other transcripts: intron variant (4).
Genome position: GRCh38 VCF-style: chr17-46171224-AC-A. GRCh37 (hg19) VCF-style: chr17-44248590-AC-A.
Other names: c.919del, p.Val307fs (NM_001193465.2, NM_001193466.2, NM_001379198.1 and 18 more transcripts); c.23+52446del (NM_001405885.1, NM_001405884.1, NM_001405883.1 and 1 more transcripts); short protein forms V307fs.
Identifiers: ClinVar variation 4880211 (VCV004880211.1).

ClinVar aggregate classification (germline): Pathogenic (1 of 4 stars; one submission).

Conditions:
Koolen-de Vries syndrome (KDVS). Identifiers: Orphanet 96169, MedGen C1864871, MONDO:0012496, OMIM 610443.

Submission:

Wales Gene Park, Division Of Cancer and Genetics, Cardiff University
Classification: Pathogenic for Koolen-de Vries syndrome. Last evaluated: 2026-04-28. Review status: criteria provided, single submitter. Criteria: ACGS Best Practice Guidelines for Variant Classification in Rare Disease 2024. Collection method: research. Allele origin: de novo. Inheritance: Autosomal dominant inheritance. Affected: yes. Study: 100,000 Genomes Project (Wales).
Comment: De novo KANSL1 frameshift variant detected by trio genome sequencing. Not present in gnomAD (v4.1.1). Phenotype consistent with gene but not highly specific and high genetic heterogeneity. Evidence codes: PVS1, PM2, PS2_supporting.